The following is an entry in ClinVar:

ClinVar aggregate classification (germline): not provided (0 of 4 stars; one submission).

Submission:

Human Evolutionary Genetics, Institut Pasteur
No classification provided. Review status: no classification provided. Collection method: not provided. Allele origin: germline.
ClinVar note: Converted during submission from untested to not provided.

NM_176822.4(NLRP14):c.2633+52T>C

Gene: NLRP14 (NLR family pyrin domain containing 14; plus strand). Cytogenetic location: 11p15.4.
Variant type: single nucleotide variant.
Coding change: c.2633+52T>C on transcript NM_176822.4 (MANE Select); 52 bases into the intron after coding-DNA position 2633, T replaced by C.
Molecular consequence: intron variant.
Genome position (GRCh38, 1-based): chr11:7,058,502, T>C. VCF-style: chr11-7058502-T-C. GRCh37 (hg19) VCF-style: chr11-7079733-T-C.
Identifiers: ClinVar variation 103346 (VCV000103346.2), dbSNP rs199475886, ClinGen allele CA230451.
Genomic context (GRCh38, chr11:7,058,502, plus strand): 5'-GAGCCTTGTGTAAGTGTCTTCAAGTTTTTATCCTTAATATATATTGTACATTTTGAAATA[T>C]GTTTAAAATAGTAAAATATTATGAACACATTCTGTCCCTTGCTTTTTCCCTGTTACCCTT-3'